The following is an entry in ClinVar:

NM_003114.5(SPAG1):c.1271C>G (p.Ala424Gly)

Genes: SPAG1 (sperm associated antigen 1; plus strand), LOC130000832 (ATAC-STARR-seq lymphoblastoid silent region 19412; plus strand). Cytogenetic location: 8q22.2.
Variant type: single nucleotide variant.
Coding change: c.1271C>G on transcript NM_003114.5 (MANE Select); coding-DNA position 1271, C replaced by G.
Protein change: p.Ala424Gly; replaces alanine 424 with glycine.
Molecular consequence: missense variant.
Genome position (GRCh38, 1-based): chr8:100,213,264, C>G. VCF-style: chr8-100213264-C-G. GRCh37 (hg19) VCF-style: chr8-101225492-C-G.
Other names: c.1271C>G, p.Ala424Gly (NM_001374321.1, NM_172218.3); short protein forms A424G.
Identifiers: ClinVar variation 659340 (VCV000659340.3), dbSNP rs1586496414, ClinGen allele CA371809159.

ClinVar aggregate classification (germline): Uncertain significance. Review status: criteria provided, multiple submitters, no conflicts (2 of 4 stars). 2 submissions from 2 submitters: Uncertain significance (2). Last evaluated 2024-02-28.

Conditions:
Primary ciliary dyskinesia 28. Also called: CILIARY DYSKINESIA, PRIMARY, 28, WITH OR WITHOUT SITUS INVERSUS. Identifiers: Orphanet 244, MedGen C3809706, MONDO:0014216, OMIM 615505.
Primary ciliary dyskinesia. Also called: Ciliary dyskinesia. Identifiers: Orphanet 244, MedGen C0008780, MONDO:0016575, HP:0012265.

gnomAD v4.1: 4 of 1,175,620 alleles (0.00034%); highest among the groups gnomAD compares: African/African-American, 0.0016%; no homozygotes.

Submissions (2):

Ambry Genetics
Classification: Uncertain significance for Primary ciliary dyskinesia. Last evaluated: 2024-02-28. Review status: criteria provided, single submitter. Criteria: Ambry Variant Classification Scheme 2023. Collection method: clinical testing. Allele origin: germline.

Labcorp Genetics (formerly Invitae), Labcorp
Classification: Uncertain significance for Ciliary dyskinesia, primary, 28. Last evaluated: 2019-04-02. Review status: criteria provided, single submitter. Criteria: Invitae Variant Classification Sherloc (09022015). Collection method: clinical testing. Allele origin: germline.
Comment: This sequence change replaces alanine with glycine at codon 424 of the SPAG1 protein (p.Ala424Gly). The alanine residue is weakly conserved and there is a small physicochemical difference between alanine and glycine. The frequency data for this variant in the population databases is considered unreliable, as metrics indicate insufficient coverage at this position in the ExAC database. This variant has not been reported in the literature in individuals with SPAG1-related conditions. Algorithms developed to predict the effect of missense changes on protein structure and function (SIFT, PolyPhen-2, Align-GVGD) all suggest that this variant is likely to be tolerated, but these predictions have not been confirmed by published functional studies and their clinical significance is uncertain. In summary, the available evidence is currently insufficient to determine the role of this variant in disease. Therefore, it has been classified as a Variant of Uncertain Significance.